The following is an entry in ClinVar:

ClinVar aggregate classification (germline): Pathogenic. Review status: criteria provided, multiple submitters, no conflicts (2 of 4 stars). 3 submissions from 3 submitters: Pathogenic (3). Last evaluated 2026-01-12.

Conditions:
WDR45-related disorder. Also called: WDR45-related condition.
Inborn genetic diseases. Identifiers: MedGen C0950123, MeSH D030342.
Neurodegeneration with brain iron accumulation 5 (NBIA5). Also called: STATIC ENCEPHALOPATHY OF CHILDHOOD WITH NEURODEGENERATION IN ADULTHOOD; Beta-propeller protein-associated neurodegeneration. Identifiers: Orphanet 329284, MedGen C3550973, MONDO:0010476, OMIM 300894.

Submissions (3):

Ambry Genetics
Classification: Pathogenic for Inborn genetic diseases. Last evaluated: 2026-01-12. Review status: criteria provided, single submitter. Criteria: Ambry Variant Classification Scheme 2023. Collection method: clinical testing. Allele origin: germline.
Comment: The c.954delC alteration, located in exon 11 (coding exon 9) of the WDR45 gene, consists of a deletion of one nucleotide at position 954, causing a translational frameshift with a predicted alternate stop codon after 11 amino acids. This variant is not expected to trigger nonsense-mediated mRNA decay, and impacts the last 11.9% of the protein. However, premature stop codons are typically deleterious in nature, the impacted region is critical for protein function and a significant portion of the protein is affected (Ambry internal data). This variant was not reported in population-based cohorts in the Genome Aggregation Database (gnomAD). Based on the available evidence, this alteration is classified as pathogenic.

PreventionGenetics, part of Exact Sciences
Classification: Pathogenic for WDR45-related condition. Last evaluated: 2023-02-10. Review status: criteria provided, single submitter. Criteria: ACMG Guidelines, 2015. Collection method: clinical testing. Allele origin: germline.
Comment: The WDR45 c.954delC variant is predicted to result in a frameshift and premature protein termination (p.Lys319Argfs*11). To our knowledge, this variant has not been reported in the literature or in a large population database, indicating this variant is rare. Frameshift variants in WDR45 are expected to be pathogenic. This variant is interpreted as pathogenic.

Clinical Genetics Service, Universitary Hospital 12 de Octubre
Classification: Pathogenic for Neurodegeneration with brain iron accumulation 5. Review status: criteria provided, single submitter. Criteria: ACMG Guidelines, 2015. Collection method: clinical testing. Allele origin: de novo. Affected: yes.

NM_001029896.2(WDR45):c.951del (p.Lys318fs)

Gene: WDR45 (WD repeat domain 45; minus strand). Cytogenetic location: Xp11.23.
Variant type: Deletion.
Coding change: c.951del on transcript NM_001029896.2 (MANE Select); coding-DNA position 951, one base deleted (C; older notation c.951delC).
Protein change: p.Lys318fs; shifts the reading frame from lysine 318.
Molecular consequence: frameshift variant.
Genome position (GRCh38, 1-based): chrX:49,075,158, G deleted on the plus strand (C on the coding strand, the reverse complement: WDR45 is on the minus strand); the first of 2 consecutive G bases (chrX:49,075,158-49,075,159); deleting either gives the same sequence. VCF-style (leftmost placement, unchanged base first): chrX-49075157-TG-T. GRCh37 (hg19) VCF-style: chrX-48932816-TG-T.
Other names: c.954del, p.Lys319fs (NM_007075.4); c.951del (NM_001029896.1); short protein forms K318fs, K319fs.
Identifiers: ClinVar variation 2630550 (VCV002630550.3), dbSNP rs1557083878, ClinGen allele CA2695200199.
Genomic context (GRCh38, chrX:49,075,157, plus strand): 5'-CCATGCAGTACCCCCAACCAAGGGGCTGTTCCCACTCACCAATGACAGAGTTGACGTTCT[TG>T]GAAGTATTGCGACCGAAGGCGCAGATGCAAGCTGACTCAGCAGGCACAGTGAAGCTCGCC-3'